The following is an entry in ClinVar:

NM_020774.4(MIB1):c.703+110G>C

Gene: MIB1 (MIB E3 ubiquitin protein ligase 1; plus strand). Cytogenetic location: 18q11.2.
Variant type: single nucleotide variant.
Coding change: c.703+110G>C on transcript NM_020774.4 (MANE Select); 110 bases into the intron after coding-DNA position 703, G replaced by C.
Molecular consequence: intron variant.
Genome position (GRCh38, 1-based): chr18:21,778,279, G>C. VCF-style: chr18-21778279-G-C. GRCh37 (hg19) VCF-style: chr18-19358240-G-C.
Identifiers: ClinVar variation 679117 (VCV000679117.2), dbSNP rs45552034, ClinGen allele CA296981639.

ClinVar aggregate classification (germline): Likely benign. Review status: criteria provided, multiple submitters, no conflicts (2 of 4 stars). 2 submissions from 2 submitters: Likely benign (2). Last evaluated 2018-06-14.

Allele frequency attached by ClinVar (database versions not stated): 1000 Genomes Project 0.00719; 1000 Genomes Project 30x 0.00765; TOPMed 0.02138; gnomAD 0.02248 and 0.02325; gnomAD exomes 0.02994.
gnomAD v4.1: 20,130 of 713,504 alleles (2.8%); highest among the groups gnomAD compares: Non-Finnish European, 3.8%; 382 homozygotes.

Submissions (2):

GeneDx
Classification: Likely benign. Last evaluated: 2018-06-14. Review status: criteria provided, single submitter. Criteria: GeneDx Variant Classification (06012015). Collection method: clinical testing. Allele origin: germline. Affected: yes.
Comment: This variant is considered likely benign or benign based on one or more of the following criteria: it is a conservative change, it occurs at a poorly conserved position in the protein, it is predicted to be benign by multiple in silico algorithms, and/or has population frequency not consistent with disease.

Breakthrough Genomics
Classification: Likely benign. Review status: criteria provided, single submitter. Criteria: ACMG Guidelines, 2015. Collection method: not provided. Allele origin: germline. Inheritance: Autosomal dominant inheritance. Affected: yes.